The following is an entry in ClinVar:

ClinVar aggregate classification (germline): Likely benign (1 of 4 stars; one submission).

Conditions:
CSNK1D-related disorder. Also called: CSNK1D-related condition.

gnomAD v4.1: 8 of 1,613,212 alleles (0.0005%); highest among the groups gnomAD compares: Non-Finnish European, 0.00068%; no homozygotes.

Submission:

PreventionGenetics, part of Exact Sciences
Classification: Likely benign for CSNK1D-related condition. Last evaluated: 2025-02-16. Review status: criteria provided, single submitter. Criteria: ACMG Guidelines, 2015. Collection method: clinical testing. Allele origin: germline.
Comment: This variant is classified as likely benign based on ACMG/AMP sequence variant interpretation guidelines (Richards et al. 2015 PMID: 25741868, with internal and published modifications).

NM_001893.6(CSNK1D):c.337-5C>A

Genes: CSNK1D (casein kinase 1 delta; minus strand), LOC126862670 (BRD4-independent group 4 enhancer GRCh37_chr17:80210177-80211376; plus strand). Cytogenetic location: 17q25.3.
Variant type: single nucleotide variant.
Coding change: c.337-5C>A on transcript NM_001893.6 (MANE Select); 5 bases into the intron before coding-DNA position 337, C replaced by A.
Molecular consequence: intron variant.
Genome position (GRCh38, 1-based): chr17:82,253,249, G>T on the plus strand (C>A on the coding strand, the complement: CSNK1D is on the minus strand). VCF-style: chr17-82253249-G-T. GRCh37 (hg19) VCF-style: chr17-80211125-G-T.
Other names: c.337-5C>A (NM_001363749.2, NM_139062.4).
Identifiers: ClinVar variation 4982272 (VCV004982272.1).